The following is an entry in ClinVar:

ClinVar aggregate classification (germline): Pathogenic (0 of 4 stars; one submission).

Conditions:
Steinert myotonic dystrophy syndrome (DM1). Also called: STEINERT DISEASE; Myotonic dystrophy type 1; Dystrophia myotonica type 1; Steinert myotonic dystrophy; Steinert's disease. Identifiers: Orphanet 273, MedGen C3250443, MONDO:0008056, OMIM 160900.

Submission:

Institute of Molecular, Cell and Systems Biology, University of Glasgow
Classification: Pathogenic for Steinert myotonic dystrophy syndrome. Review status: no assertion criteria provided. Criteria: research. Collection method: research. Allele origin: germline. Inheritance: Autosomal dominant inheritance. Affected: yes. Observed: 1 heterozygote.
Comment: DMPK CTG repeat expansions greater than approximately 45-50 repeats are assumed to be pathogenic

This record is based on data published in PubMed 25052313, which reports only ClinVar accessions SCV000120188 and SCV000120189. The complete data set includes SCV000207445 - SCV000207579.

Literature cited by the submitters: PubMed 1346923; PubMed 1546326; PubMed 25052313.

NM_004409.5(DMPK):c.*224CTG[541]

Genes: DM1-AS (DM1 locus antisense RNA; plus strand), DMPK (DM1 protein kinase; minus strand), LOC107075317 (origin of replication in DMPK trinucleotide repeat region; plus strand), LOC109461477 (dystrophia myotonica protein kinase repeat instability region; plus strand). Cytogenetic location: 19q13.32.
Variant type: Microsatellite.
Coding change: c.*224CTG[541] on transcript NM_004409.5 (MANE Select); 541 copies in a row of the 3-base unit CTG starting at c.*224.
Molecular consequence: 3 prime UTR variant.
Genome position: GRCh38, VCF-style position (the base before the change): chr19:45,770,204. GRCh37 (hg19), VCF-style position (the base before the change): chr19:46,273,462.
Other names: DM1 CTG repeat expansion; c.*224CTG[541] (NM_001424165.1, NM_001424169.1, NM_001081560.3 and 1 more transcripts); c.*217CTG[541] (NM_001424166.1, NM_001424163.1, NM_001081562.3 and 2 more transcripts); c.*369CTG[541] (NM_001424164.1, NM_001424168.1, NM_001288766.2); c.*222_*224TGC[541] (NM_001081563.3).
Identifiers: ClinVar variation 188002 (VCV000188002.2), ClinGen allele CA915951825.